The following is an entry in ClinVar:

ClinVar aggregate classification (germline): Likely benign. Review status: criteria provided, multiple submitters, no conflicts (2 of 4 stars). 2 submissions from 2 submitters: Likely benign (2). Last evaluated 2025-09-01.

Conditions:
Mowat-Wilson syndrome (MOWS). Also called: Classic Mowat-Wilson Syndrome. Identifiers: Orphanet 2152, MedGen C1856113, MONDO:0009341, OMIM 235730.

Submissions (2):

CeGaT Center for Human Genetics Tuebingen
Classification: Likely benign. Last evaluated: 2025-09-01. Review status: criteria provided, single submitter. Criteria: CeGaT Center For Human Genetics Tuebingen Variant Classification Criteria Version 2. Collection method: clinical testing. Allele origin: germline. Affected: yes. Observed: 1 variant allele.
Comment: ZEB2: PM2:Supporting, BP4, BP7

Labcorp Genetics (formerly Invitae), Labcorp
Classification: Likely benign for Mowat-Wilson syndrome. Last evaluated: 2024-03-27. Review status: criteria provided, single submitter. Criteria: Invitae Variant Classification Sherloc (09022015). Collection method: clinical testing. Allele origin: germline.

NM_014795.4(ZEB2):c.3561T>C (p.Asp1187=)

Gene: ZEB2 (zinc finger E-box binding homeobox 2; minus strand). Cytogenetic location: 2q22.3.
Variant type: single nucleotide variant.
Coding change: c.3561T>C on transcript NM_014795.4 (MANE Select); coding-DNA position 3561, T replaced by C.
Protein change: p.Asp1187=; no amino-acid change (aspartic acid 1187 retained).
Molecular consequence: synonymous variant.
Genome position (GRCh38, 1-based): chr2:144,389,535, A>G on the plus strand (T>C on the coding strand, the complement: ZEB2 is on the minus strand). VCF-style: chr2-144389535-A-G. GRCh37 (hg19) VCF-style: chr2-145147102-A-G.
Other names: c.3489T>C, p.Asp1163= (NM_001171653.2).
Identifiers: ClinVar variation 3712947 (VCV003712947.9).